The following is an entry in ClinVar:

ClinVar aggregate classification (germline): Conflicting classifications of pathogenicity. Review status: criteria provided, conflicting classifications (1 of 4 stars). 4 submissions from 4 submitters: Uncertain significance (1); Benign (1); Likely benign (1). 1 of the submissions does not count toward it. Last evaluated 2026-01-13.

Conditions:
ABCB11-related disorder. Also called: ABCB11-related condition.
Progressive familial intrahepatic cholestasis type 2. Identifiers: Orphanet 79304, MedGen C3489789, MONDO:0011156, OMIM 601847.

Allele frequency attached by ClinVar (database versions not stated): ExAC 0.00002; gnomAD 0.00003; gnomAD exomes 0.00003 and 0.00005; TOPMed 0.00003; ESP Exome Variant Server 0.00008.
gnomAD v4.1: 72 of 1,609,978 alleles (0.0045%); highest among the groups gnomAD compares: Non-Finnish European, 0.0059%; no homozygotes.

Submissions (4):

Labcorp Genetics (formerly Invitae), Labcorp
Classification: Likely benign. Last evaluated: 2026-01-13. Review status: criteria provided, single submitter. Criteria: Invitae Variant Classification Sherloc (09022015). Collection method: clinical testing. Allele origin: germline.

Blueprint Genetics
Classification: Benign. Last evaluated: 2024-06-11. Review status: criteria provided, single submitter. Criteria: ACMG Guidelines, 2015. Collection method: clinical testing. Allele origin: germline.

Illumina Laboratory Services, Illumina
Classification: Uncertain significance for Progressive familial intrahepatic cholestasis type 2. Last evaluated: 2018-01-13. Review status: criteria provided, single submitter. Criteria: ICSL Variant Classification Criteria 13 December 2019. Collection method: clinical testing. Allele origin: germline.

PreventionGenetics, part of Exact Sciences
Classification: Likely benign for ABCB11-related condition. Last evaluated: 2022-01-18. Review status: no assertion criteria provided. Collection method: clinical testing. Allele origin: germline. Not counted in ClinVar's aggregate classification.
Comment: This variant is classified as likely benign based on ACMG/AMP sequence variant interpretation guidelines (Richards et al. 2015 PMID: 25741868, with internal and published modifications).

NM_003742.4(ABCB11):c.1113A>G (p.Leu371=)

Gene: ABCB11 (ATP binding cassette subfamily B member 11; minus strand). Cytogenetic location: 2q31.1.
Variant type: single nucleotide variant.
Coding change: c.1113A>G on transcript NM_003742.4 (MANE Select); coding-DNA position 1113, A replaced by G.
Protein change: p.Leu371=; no amino-acid change (leucine 371 retained).
Molecular consequence: synonymous variant.
Genome position (GRCh38, 1-based): chr2:168,979,950, T>C on the plus strand (A>G on the coding strand, the complement: ABCB11 is on the minus strand). VCF-style: chr2-168979950-T-C. GRCh37 (hg19) VCF-style: chr2-169836460-T-C.
Other names: c.1113A>G, p.Leu371= (LRG_1199t1).
Identifiers: ClinVar variation 332036 (VCV000332036.18), dbSNP rs369132677, ClinGen allele CA1951685.